The following is an entry in ClinVar:

NM_001378454.1(ALMS1):c.8639T>G (p.Ile2880Ser)

Gene: ALMS1 (ALMS1 centrosome and basal body associated protein; plus strand). Cytogenetic location: 2p13.1.
Variant type: single nucleotide variant.
Coding change: c.8639T>G on transcript NM_001378454.1 (MANE Select); coding-DNA position 8639, T replaced by G.
Protein change: p.Ile2880Ser; replaces isoleucine 2880 with serine.
Molecular consequence: missense variant.
Genome position (GRCh38, 1-based): chr2:73,490,598, T>G. VCF-style: chr2-73490598-T-G. GRCh37 (hg19) VCF-style: chr2-73717725-T-G.
Other names: c.8642T>G, p.Ile2881Ser (NM_015120.4); short protein forms I2880S, I2881S.
Identifiers: ClinVar variation 5002362 (VCV005002362.1).

ClinVar aggregate classification (germline): Uncertain significance (1 of 4 stars; one submission).

Conditions:
ALMS1-related disorder. Also called: ALMS1-related condition.

Submission:

PreventionGenetics, part of Exact Sciences
Classification: Uncertain significance for ALMS1-related condition. Last evaluated: 2026-06-11. Review status: criteria provided, single submitter. Criteria: ACMG Guidelines, 2015. Collection method: clinical testing. Allele origin: germline.
Comment: The ALMS1 c.8642T>G variant is predicted to result in the amino acid substitution p.Leu2881Arg. To our knowledge, this variant has not been reported in the literature or in a large population database (gnomAD), indicating this variant is rare. At this time, the clinical significance of this variant is uncertain due to the absence of conclusive functional and genetic evidence.